The following is an entry in ClinVar:

ClinVar aggregate classification (germline): Uncertain significance (1 of 4 stars; one submission).

Conditions:
KIDINS220-related disorder. Also called: KIDINS220-related condition.

gnomAD v4.1: 4 of 1,613,944 alleles (0.00025%); highest among the groups gnomAD compares: African/African-American, 0.0013%; no homozygotes.

Submission:

PreventionGenetics, part of Exact Sciences
Classification: Uncertain significance for KIDINS220-related condition. Last evaluated: 2025-09-24. Review status: criteria provided, single submitter. Criteria: ACMG Guidelines, 2015. Collection method: clinical testing. Allele origin: germline.
Comment: The KIDINS220 c.3263C>T variant is predicted to result in the amino acid substitution p.Pro1088Leu. To our knowledge, this variant has not been reported in the literature. This variant is reported in 0.0065% of alleles in individuals of African descent in gnomAD. At this time, the clinical significance of this variant is uncertain due to the absence of conclusive functional and genetic evidence.

NM_020738.4(KIDINS220):c.3263C>T (p.Pro1088Leu)

Gene: KIDINS220 (kinase D interacting substrate 220; minus strand). Cytogenetic location: 2p25.1.
Variant type: single nucleotide variant.
Coding change: c.3263C>T on transcript NM_020738.4 (MANE Select); coding-DNA position 3263, C replaced by T.
Protein change: p.Pro1088Leu; replaces proline 1088 with leucine.
Molecular consequence: missense variant. On other transcripts: non-coding transcript variant (2).
Genome position (GRCh38, 1-based): chr2:8,750,263, G>A on the plus strand (C>T on the coding strand, the complement: KIDINS220 is on the minus strand). VCF-style: chr2-8750263-G-A. GRCh37 (hg19) VCF-style: chr2-8890393-G-A.
Other names: c.3266C>T, p.Pro1089Leu (NM_001348729.2, NM_001348731.2, NM_001348734.2 and 2 more transcripts); c.3263C>T, p.Pro1088Leu (NM_001348732.2, NM_001348735.2, NM_001348738.2 and 3 more transcripts); c.3137C>T, p.Pro1046Leu (NM_001348736.2); short protein forms P1046L, P1088L, P1089L.
Identifiers: ClinVar variation 4982755 (VCV004982755.1).